The following is an entry in ClinVar:

NM_000094.4(COL7A1):c.486G>C (p.Arg162Ser)

Gene: COL7A1 (collagen type VII alpha 1 chain; minus strand). Cytogenetic location: 3p21.31.
Variant type: single nucleotide variant.
Coding change: c.486G>C on transcript NM_000094.4 (MANE Select); coding-DNA position 486, G replaced by C.
Protein change: p.Arg162Ser; replaces arginine 162 with serine.
Molecular consequence: missense variant.
Genome position (GRCh38, 1-based): chr3:48,593,390, C>G on the plus strand (G>C on the coding strand, the complement: COL7A1 is on the minus strand). VCF-style: chr3-48593390-C-G. GRCh37 (hg19) VCF-style: chr3-48630823-C-G.
Other names: short protein forms R162S.
Identifiers: ClinVar variation 2166724 (VCV002166724.1), dbSNP rs2045850358, ClinGen allele CA352746672.

ClinVar aggregate classification (germline): Uncertain significance (1 of 4 stars; one submission).

Allele frequency attached by ClinVar (database versions not stated): gnomAD 0.00001.
gnomAD v4.1: 1 of 1,613,992 alleles (0.000062%); highest among the groups gnomAD compares: African/African-American, 0.0013%; no homozygotes.

Submission:

Labcorp Genetics (formerly Invitae), Labcorp
Classification: Uncertain significance. Last evaluated: 2020-10-31. Review status: criteria provided, single submitter. Criteria: Invitae Variant Classification Sherloc (09022015). Collection method: clinical testing. Allele origin: germline.
Comment: This sequence change replaces arginine with serine at codon 162 of the COL7A1 protein (p.Arg162Ser). The arginine residue is weakly conserved and there is a moderate physicochemical difference between arginine and serine. This variant is not present in population databases (ExAC no frequency). This variant has not been reported in the literature in individuals with COL7A1-related conditions. Advanced modeling of protein sequence and biophysical properties (such as structural, functional, and spatial information, amino acid conservation, physicochemical variation, residue mobility, and thermodynamic stability) performed at Invitae indicates that this missense variant is not expected to disrupt COL7A1 protein function. In summary, the available evidence is currently insufficient to determine the role of this variant in disease. Therefore, it has been classified as a Variant of Uncertain Significance.